The following is an entry in ClinVar:

ClinVar aggregate classification (germline): Uncertain significance (1 of 4 stars; one submission).

Submission:

Labcorp Genetics (formerly Invitae), Labcorp
Classification: Uncertain significance. Last evaluated: 2024-08-31. Review status: criteria provided, single submitter. Criteria: Invitae Variant Classification Sherloc (09022015). Collection method: clinical testing. Allele origin: germline.
Comment: This sequence change replaces arginine, which is basic and polar, with glycine, which is neutral and non-polar, at codon 736 of the SZT2 protein (p.Arg736Gly). This variant is not present in population databases (gnomAD no frequency). This variant has not been reported in the literature in individuals affected with SZT2-related conditions. Invitae Evidence Modeling of protein sequence and biophysical properties (such as structural, functional, and spatial information, amino acid conservation, physicochemical variation, residue mobility, and thermodynamic stability) has been performed for this missense variant. However, the output from this modeling did not meet the statistical confidence thresholds required to predict the impact of this variant on SZT2 protein function. In summary, the available evidence is currently insufficient to determine the role of this variant in disease. Therefore, it has been classified as a Variant of Uncertain Significance.

NM_001365999.1(SZT2):c.2206C>G (p.Arg736Gly)

Gene: SZT2 (SZT2 subunit of KICSTOR complex; plus strand). Cytogenetic location: 1p34.2.
Variant type: single nucleotide variant.
Coding change: c.2206C>G on transcript NM_001365999.1 (MANE Select); coding-DNA position 2206, C replaced by G.
Protein change: p.Arg736Gly; replaces arginine 736 with glycine.
Molecular consequence: missense variant.
Genome position (GRCh38, 1-based): chr1:43,423,267, C>G. VCF-style: chr1-43423267-C-G. GRCh37 (hg19) VCF-style: chr1-43888938-C-G.
Other names: c.2206C>G, p.Arg736Gly (NM_015284.4); short protein forms R736G.
Identifiers: ClinVar variation 3649673 (VCV003649673.2).
Genomic context (GRCh38, chr1:43,423,267, plus strand): 5'-GGGGGCAGCTCTCCCTCCAAGTCACCCCCCGTGCTGGGGCCACAGCAGGCCCTGTCTGAC[C>G]GGCCCTGCCTTGTGGTCCTGCATAAGCCACTGGACAAACTGCTCATCAGGTTGGTACAGA-3'
Protein context (NP_001352928.1, residues 726-746): VLGPQQALSD[Arg736Gly]PCLVVLHKPL